The following is an entry in ClinVar:

ClinVar aggregate classification (germline): Likely pathogenic. Review status: reviewed by expert panel (3 of 4 stars). 3 submissions from 3 submitters: Likely pathogenic (1). 2 of the submissions do not count toward it. Last evaluated 2025-09-07.

Conditions:
Primary ciliary dyskinesia. Also called: Ciliary dyskinesia. Identifiers: Orphanet 244, MedGen C0008780, MONDO:0016575, HP:0012265.
RPGR-related disorder. Also called: RPGR-related condition.
RPGR-related retinopathy. Also called: RPGR retinopathy. Identifiers: MedGen CN305589, MONDO:0100437.

Submissions (3):

ClinGen X-linked Inherited Retinal Disease Variant Curation Expert Panel, ClinGen
Classification: Likely pathogenic for RPGR-related retinopathy. Last evaluated: 2025-09-07. Review status: reviewed by expert panel. Criteria: ClinGen X LinkedIRD ACMG Specifications RPGR V1.0.0. Collection method: curation. Allele origin: germline. Inheritance: X-linked inheritance.
Comment: NM_001034853.2(RPGR):c.679C>T (p.Gln227Ter) is a nonsense variant that introduces a premature stop in codon 227 within exon 7 of 15, which is predicted to trigger nonsense-mediated decay (PVS1). This variant is present in gnomAD v4.1.0 at a frequency of 0.00000251 among hemizygous individuals, with 1 variant allele / 397,826 total hemizygous alleles, which is higher than the ClinGen X-linked IRD VCEP PM2_Supporting threshold of <0.0000005 and fails to meet this criterion. This variant has been reported in at least 2 apparently unrelated probands meeting one of the PS4 requirements of a male with some functional vision impairment by age 30 years (PMID: 32047640; SCV001240417.1, personal communication, PS4_Supporting). At least one proband harboring this variant exhibits a phenotype including diagnosis of retinitis pigmentosa with pediatric onset (1 pt), night blindness (0.5 pts), decreased central visual acuity (0.5 pts), annular scotoma, and paracentral retinal atrophy, however, the PP4 code was not met as the proband did not have full-field elecroretinogram or fundus autofluorescence results available (PMID: 32047640). In summary, this variant is classified as likely pathogenic for RPGR-related retinopathy based on the ClinGen X-linked Inherited Retinal Disease Expert Panel Specifications to the ACMG/AMP Variant Interpretation Guidelines for RPGR Version 1.0.0; PVS1 and PS4_Supporting.

Labcorp Genetics (formerly Invitae), Labcorp
Classification: Pathogenic for Primary ciliary dyskinesia. Last evaluated: 2024-05-01. Review status: criteria provided, single submitter. Criteria: Invitae Variant Classification Sherloc (09022015). Collection method: clinical testing. Allele origin: germline. Not counted in ClinVar's aggregate classification.
Comment: This sequence change creates a premature translational stop signal (p.Gln227*) in the RPGR gene. It is expected to result in an absent or disrupted protein product. Loss-of-function variants in RPGR are known to be pathogenic (PMID: 16055928, 16969763). This variant is not present in population databases (gnomAD no frequency). This premature translational stop signal has been observed in individual(s) with inherited retinal dystrophy (PMID: 31645972, 34985506). ClinVar contains an entry for this variant (Variation ID: 866642). For these reasons, this variant has been classified as Pathogenic.

Blueprint Genetics
Classification: Pathogenic for RPGR-related disorders. Last evaluated: 2020-10-27. Review status: criteria provided, single submitter. Criteria: ACMG Guidelines, 2015. Collection method: clinical testing. Allele origin: germline. Affected: yes. Observed: 4 variant alleles. Not counted in ClinVar's aggregate classification.

Literature cited by the submitters: PubMed 16055928 (cited by Labcorp Genetics (formerly Invitae), Labcorp); PubMed 16969763 (cited by Labcorp Genetics (formerly Invitae), Labcorp); PubMed 31645972 (cited by Labcorp Genetics (formerly Invitae), Labcorp); PubMed 34985506 (cited by Labcorp Genetics (formerly Invitae), Labcorp).

NM_001034853.2(RPGR):c.679C>T (p.Gln227Ter)

Gene: RPGR (retinitis pigmentosa GTPase regulator; minus strand). Cytogenetic location: Xp11.4.
Variant type: single nucleotide variant.
Coding change: c.679C>T on transcript NM_001034853.2 (MANE Select); coding-DNA position 679, C replaced by T.
Protein change: p.Gln227Ter; replaces glutamine 227 with a stop codon.
Molecular consequence: nonsense. On other transcripts: non-coding transcript variant (6).
Genome position (GRCh38, 1-based): chrX:38,310,714, G>A on the plus strand (C>T on the coding strand, the complement: RPGR is on the minus strand). VCF-style: chrX-38310714-G-A. GRCh37 (hg19) VCF-style: chrX-38169967-G-A.
Other names: NM_001034853.2(RPGR):c.679C>T; p.Gln227Ter; c.679C>T, p.Gln227Ter (NM_000328.3, NM_001367246.1, NM_001367247.1 and 1 more transcripts); c.676C>T, p.Gln226Ter (NM_001367245.1, NM_001367249.1, NM_001367250.1); c.709C>T, p.Gln237Ter (NM_001367248.1); short protein forms Q226*, Q227*, Q237*.
Identifiers: ClinVar variation 866642 (VCV000866642.5), dbSNP rs2067700774, ClinGen allele CA412742873.